The following is an entry in ClinVar:

NM_001903.5(CTNNA1):c.1541T>C (p.Val514Ala)

Gene: CTNNA1 (catenin alpha 1; plus strand). Cytogenetic location: 5q31.2.
Variant type: single nucleotide variant.
Coding change: c.1541T>C on transcript NM_001903.5 (MANE Select); coding-DNA position 1541, T replaced by C.
Protein change: p.Val514Ala; replaces valine 514 with alanine.
Molecular consequence: missense variant.
Genome position (GRCh38, 1-based): chr5:138,917,893, T>C. VCF-style: chr5-138917893-T-C. GRCh37 (hg19) VCF-style: chr5-138253582-T-C.
Other names: c.431T>C, p.Val144Ala (NM_001324004.1, NM_001324005.1, NM_001323994.1 and 17 more transcripts); c.92T>C, p.Val31Ala (NM_001324006.1, NM_001324007.1, NM_001324008.1 and 2 more transcripts); c.338T>C, p.Val113Ala (NM_001324011.1); c.188T>C, p.Val63Ala (NM_001324012.1, NM_001324013.1); c.1541T>C, p.Val514Ala (NM_001290307.3, NM_001323982.2, NM_001323983.1 and 2 more transcripts); c.1232T>C, p.Val411Ala (NM_001290309.3); c.1172T>C, p.Val391Ala (NM_001290310.3); c.1448T>C, p.Val483Ala (NM_001323986.2); short protein forms V31A, V514A, V144A, V411A, V63A, V391A, V483A, V113A.
Identifiers: ClinVar variation 4841644 (VCV004841644.1).
Genomic context (GRCh38, chr5:138,917,893, plus strand): 5'-AAGTCCGTGTTCTCACAGATGCTGTCGATGACATTACTTCCATTGATGACTTCTTGGCTG[T>C]CTCAGGTAATGAGCTGGTTCCCCAGAGAAGTATGTGAAGATGTTCATAATTACTTTTGTC-3'
Protein context (NP_001894.2, residues 504-524): DITSIDDFLA[Val514Ala]SENHILEDVN

ClinVar aggregate classification (germline): Uncertain significance (1 of 4 stars; one submission).

Conditions:
Hereditary cancer-predisposing syndrome. Also called: Neoplastic Syndromes, Hereditary; Tumor predisposition; Hereditary Cancer Syndrome; Hereditary neoplastic syndrome. Identifiers: Orphanet 140162, MedGen C0027672, MeSH D009386, MONDO:0015356.

Submission:

Ambry Genetics
Classification: Uncertain significance for Hereditary cancer-predisposing syndrome. Last evaluated: 2025-12-16. Review status: criteria provided, single submitter. Criteria: Ambry Variant Classification Scheme 2023. Collection method: clinical testing. Allele origin: germline.
Comment: The p.V514A variant (also known as c.1541T>C), located in coding exon 10 of the CTNNA1 gene, results from a T to C substitution at nucleotide position 1541. The valine at codon 514 is replaced by alanine, an amino acid with similar properties. This amino acid position is conserved. In addition, the in silico prediction for this alteration is inconclusive. Based on the available evidence, the clinical significance of this variant remains unclear.